The following is an entry in ClinVar:

NM_015072.5(TTLL5):c.2388-2A>G

Gene: TTLL5 (tubulin tyrosine ligase like 5; plus strand). Cytogenetic location: 14q24.3.
Variant type: single nucleotide variant.
Coding change: c.2388-2A>G on transcript NM_015072.5 (MANE Select); the canonical splice acceptor site of the intron before coding-DNA position 2388, A replaced by G.
Molecular consequence: splice acceptor variant.
Genome position (GRCh38, 1-based): chr14:75,779,573, A>G. VCF-style: chr14-75779573-A-G. GRCh37 (hg19) VCF-style: chr14-76245916-A-G.
Identifiers: ClinVar variation 1512317 (VCV001512317.9), dbSNP rs752669828, ClinGen allele CA7279699.

ClinVar aggregate classification (germline): Likely pathogenic. Review status: criteria provided, multiple submitters, no conflicts (2 of 4 stars). 2 submissions from 2 submitters: Likely pathogenic (2). Last evaluated 2023-01-19.

Conditions:
TTLL5-related disorder. Also called: TTLL5-related condition.

Allele frequency attached by ClinVar (database versions not stated): gnomAD exomes 0.00001 and 0.00002; ExAC 0.00003.
gnomAD v4.1: 10 of 1,612,594 alleles (0.00062%); highest among the groups gnomAD compares: South Asian, 0.0099%; no homozygotes.

Submissions (2):

Blueprint Genetics
Classification: Likely pathogenic for TTLL5-related disorders. Last evaluated: 2023-01-19. Review status: criteria provided, single submitter. Criteria: ACMG Guidelines, 2015. Collection method: clinical testing. Allele origin: germline. Affected: yes. Observed: 2 variant alleles.

Labcorp Genetics (formerly Invitae), Labcorp
Classification: Likely pathogenic. Last evaluated: 2022-09-24. Review status: criteria provided, single submitter. Criteria: Invitae Variant Classification Sherloc (09022015). Collection method: clinical testing. Allele origin: germline.
Comment: This sequence change affects an acceptor splice site in intron 23 of the TTLL5 gene. It is expected to disrupt RNA splicing. Variants that disrupt the donor or acceptor splice site typically lead to a loss of protein function (PMID: 16199547), and loss-of-function variants in TTLL5 are known to be pathogenic (PMID: 24791901, 27162334). This variant is present in population databases (rs752669828, gnomAD 0.02%). Disruption of this splice site has been observed in individual(s) with clinical features of cone-rod dystrophy (Invitae). ClinVar contains an entry for this variant (Variation ID: 1512317). Algorithms developed to predict the effect of sequence changes on RNA splicing suggest that this variant may disrupt the consensus splice site. In summary, the currently available evidence indicates that the variant is pathogenic, but additional data are needed to prove that conclusively. Therefore, this variant has been classified as Likely Pathogenic.

Literature cited by the submitters: PubMed 16199547 (cited by Labcorp Genetics (formerly Invitae), Labcorp); PubMed 24791901 (cited by Labcorp Genetics (formerly Invitae), Labcorp); PubMed 27162334 (cited by Labcorp Genetics (formerly Invitae), Labcorp).